The following is an entry in ClinVar:

NM_033028.5(BBS4):c.453_454insGAAC (p.Asn152fs)

Gene: BBS4 (Bardet-Biedl syndrome 4; plus strand). Cytogenetic location: 15q24.1.
Variant type: Insertion.
Coding change: c.453_454insGAAC on transcript NM_033028.5 (MANE Select); coding-DNA positions 453 to 454, GAAC inserted.
Protein change: p.Asn152fs; shifts the reading frame from asparagine 152.
Molecular consequence: frameshift variant. On other transcripts: 5 prime UTR variant (1), non-coding transcript variant (2).
Genome position: GRCh38 VCF-style: chr15-72722840-T-TCGAA. GRCh37 (hg19) VCF-style: chr15-73015181-T-TCGAA.
Other names: c.-64_-63insGAAC (NM_001252678.2); c.453_454insGAAC, p.Asn152fs (NM_001320665.2); short protein forms N152fs.
Identifiers: ClinVar variation 2761815 (VCV002761815.3), dbSNP rs2542969418, ClinGen allele CA2697549174.

ClinVar aggregate classification (germline): Pathogenic (1 of 4 stars; one submission).

Conditions:
Bardet-Biedl syndrome (BBS). Identifiers: Orphanet 110, MedGen C0752166, MONDO:0015229.

Submission:

Labcorp Genetics (formerly Invitae), Labcorp
Classification: Pathogenic for Bardet-Biedl syndrome. Last evaluated: 2023-09-19. Review status: criteria provided, single submitter. Criteria: Invitae Variant Classification Sherloc (09022015). Collection method: clinical testing. Allele origin: germline.
Comment: For these reasons, this variant has been classified as Pathogenic. This variant has not been reported in the literature in individuals affected with BBS4-related conditions. This variant is not present in population databases (gnomAD no frequency). This sequence change creates a premature translational stop signal (p.Asn152Glufs*15) in the BBS4 gene. It is expected to result in an absent or disrupted protein product. Loss-of-function variants in BBS4 are known to be pathogenic (PMID: 11381270, 12016587, 20177705, 27894351).

Literature cited by the submitters: PubMed 11381270; PubMed 12016587; PubMed 20177705; PubMed 27894351.